The following is an entry in ClinVar:

ClinVar aggregate classification (germline): Likely benign (1 of 4 stars; one submission).

Allele frequency attached by ClinVar (database versions not stated): gnomAD exomes 0.00027; ExAC 0.00069; 1000 Genomes Project 0.00220; 1000 Genomes Project 30x 0.00250; gnomAD 0.00268; TOPMed 0.00341.
gnomAD v4.1: 795 of 1,550,702 alleles (0.051%); highest among the groups gnomAD compares: African/African-American, 0.97%; 5 homozygotes.

Submission:

CeGaT Center for Human Genetics Tuebingen
Classification: Likely benign. Last evaluated: 2022-05-01. Review status: criteria provided, single submitter. Criteria: CeGaT Center For Human Genetics Tuebingen Variant Classification Criteria Version 2. Collection method: clinical testing. Allele origin: germline. Affected: yes. Observed: 1 variant allele.
Comment: CFAP46: BP4, BP7

NM_001200049.3(CFAP46):c.4923C>T (p.Cys1641=)

Gene: CFAP46 (cilia and flagella associated protein 46; minus strand). Cytogenetic location: 10q26.3.
Variant type: single nucleotide variant.
Coding change: c.4923C>T on transcript NM_001200049.3 (MANE Select); coding-DNA position 4923, C replaced by T.
Protein change: p.Cys1641=; no amino-acid change (cysteine 1641 retained).
Molecular consequence: synonymous variant.
Genome position (GRCh38, 1-based): chr10:132,860,950, G>A on the plus strand (C>T on the coding strand, the complement: CFAP46 is on the minus strand). VCF-style: chr10-132860950-G-A. GRCh37 (hg19) VCF-style: chr10-134674454-G-A.
Identifiers: ClinVar variation 2640984 (VCV002640984.24), dbSNP rs192073121, ClinGen allele CA5757406.